The following is an entry in ClinVar:

ClinVar aggregate classification (germline): Uncertain significance (1 of 4 stars; one submission).

Submission:

GeneDx
Classification: Uncertain significance. Last evaluated: 2025-06-11. Review status: criteria provided, single submitter. Criteria: GeneDx Variant Classification Process June 2021. Collection method: clinical testing. Allele origin: germline. Affected: yes.
Comment: In-frame duplication of three amino acids in a non-repeat region; Not observed at significant frequency in large population cohorts (gnomAD); Has not been previously published as pathogenic or benign to our knowledge

NM_001009944.3(PKD1):c.11339_11347dup (p.Asp3782_Val3783insAspTyrAsp)

Genes: PKD1 (polycystin 1, transient receptor potential channel interacting; minus strand), PKD1-AS1 (PKD1 antisense RNA 1; plus strand). Cytogenetic location: 16p13.3.
Variant type: Duplication.
Coding change: c.11339_11347dup on transcript NM_001009944.3 (MANE Select); coding-DNA positions 11339 to 11347, 9 bases duplicated (ATTACGACG; older notation c.11339_11347dupATTACGACG).
Protein change: p.Asp3782_Val3783insAspTyrAsp.
Molecular consequence: inframe indel (on NM_001009944.2).
Genome position (GRCh38, 1-based): chr16:2,092,111-2,092,119, CGTCGTAAT duplicated on the plus strand (ATTACGACG on the coding strand, the reverse complement: PKD1 is on the minus strand); duplicating any 9 consecutive bases within chr16:2,092,111-2,092,121 gives the same sequence; the c. name uses the placement nearest the transcript's 3' end. VCF-style (leftmost placement, unchanged base first): chr16-2092110-A-ACGTCGTAAT. GRCh37 (hg19) VCF-style: chr16-2142111-A-ACGTCGTAAT.
Other names: c.11336_11344dup, p.Asp3781_Val3782insAspTyrAsp (NM_000296.4); c.11339_11347dup (NM_001009944.2).
Identifiers: ClinVar variation 4538012 (VCV004538012.1).